The following is an entry in ClinVar:

NM_022072.5(NSUN3):c.350A>G (p.Asn117Ser)

Gene: NSUN3 (NOP2/Sun RNA methyltransferase 3; plus strand). Cytogenetic location: 3q11.2.
Variant type: single nucleotide variant.
Coding change: c.350A>G on transcript NM_022072.5 (MANE Select); coding-DNA position 350, A replaced by G.
Protein change: p.Asn117Ser; replaces asparagine 117 with serine.
Molecular consequence: missense variant.
Genome position (GRCh38, 1-based): chr3:94,084,334, A>G. VCF-style: chr3-94084334-A-G. GRCh37 (hg19) VCF-style: chr3-93803178-A-G.
Other names: short protein forms N117S.
Identifiers: ClinVar variation 4721272 (VCV004721272.1).

ClinVar aggregate classification (germline): Uncertain significance (1 of 4 stars; one submission).

gnomAD v4.1: 6 of 1,614,102 alleles (0.00037%); highest among the groups gnomAD compares: South Asian, 0.0011%; no homozygotes.

Submission:

Labcorp Genetics (formerly Invitae), Labcorp
Classification: Uncertain significance. Last evaluated: 2025-12-03. Review status: criteria provided, single submitter. Criteria: Invitae Variant Classification Sherloc (09022015). Collection method: clinical testing. Allele origin: germline.
Comment: This sequence change replaces asparagine, which is neutral and polar, with serine, which is neutral and polar, at codon 117 of the NSUN3 protein (p.Asn117Ser). This variant is not present in population databases (gnomAD no frequency). This variant has not been reported in the literature in individuals affected with NSUN3-related conditions. An algorithm developed to predict the effect of missense changes on protein structure and function (PolyPhen-2) suggests that this variant is likely to be disruptive. In summary, the available evidence is currently insufficient to determine the role of this variant in disease. Therefore, it has been classified as a Variant of Uncertain Significance.